The following is an entry in ClinVar:

NM_003079.5(SMARCE1):c.1233A>G (p.Glu411=)

Gene: SMARCE1 (SWI/SNF related BAF chromatin remodeling complex subunit E1; minus strand). Cytogenetic location: 17q21.2.
Variant type: single nucleotide variant.
Coding change: c.1233A>G on transcript NM_003079.5 (MANE Select); coding-DNA position 1233, A replaced by G.
Protein change: p.Glu411=; no amino-acid change (glutamic acid 411 retained).
Molecular consequence: synonymous variant.
Genome position (GRCh38, 1-based): chr17:40,628,788, T>C on the plus strand (A>G on the coding strand, the complement: SMARCE1 is on the minus strand). VCF-style: chr17-40628788-T-C. GRCh37 (hg19) VCF-style: chr17-38785040-T-C.
Identifiers: ClinVar variation 532237 (VCV000532237.12), dbSNP rs1555605056, ClinGen allele CA499962590.
Genomic context (GRCh38, chr17:40,628,788, plus strand): 5'-CCAAAAAACATTTTTTCATTAAAAAAAGTATTTAGAACACACAAAACAAGGCAACACTTA[T>C]TCTTTTTTCTCATCTTCTGGTATGGGATCTGTTGGTGGCTCCTCCACTGTTGCACTGTTG-3'
Protein context (NP_003070.3, residues 401-411): TDPIPEDEKK[Glu411=]

ClinVar aggregate classification (germline): Conflicting classifications of pathogenicity. Review status: criteria provided, conflicting classifications (1 of 4 stars). 2 submissions from 2 submitters: Uncertain significance (1); Likely benign (1). Last evaluated 2026-05-18.

Conditions:
Hereditary cancer-predisposing syndrome. Also called: Tumor predisposition; Hereditary neoplastic syndrome; Neoplastic Syndromes, Hereditary; Hereditary Cancer Syndrome. Identifiers: Orphanet 140162, MedGen C0027672, MeSH D009386, MONDO:0015356.
Familial meningioma. Also called: Meningioma, familial, susceptibility to. Identifiers: Orphanet 263662, MedGen C3551915, MONDO:0011789, OMIM 607174.

Allele frequency attached by ClinVar (database versions not stated): gnomAD exomes below 0.00001.
gnomAD v4.1: 2 of 1,611,496 alleles (0.00012%); highest among the groups gnomAD compares: Non-Finnish European, 0.00017%; no homozygotes.

Submissions (2):

Ambry Genetics
Classification: Uncertain significance for Hereditary cancer-predisposing syndrome. Last evaluated: 2026-05-18. Review status: criteria provided, single submitter. Criteria: Ambry Variant Classification Scheme 2023. Collection method: clinical testing. Allele origin: germline.
Comment: The c.1233A>G variant (also known as p.E411E), located in coding exon 10 of the SMARCE1 gene, results from an A to G substitution at nucleotide position 1233. This nucleotide substitution does not change the amino acid at codon 411. This nucleotide position is well conserved in available vertebrate species. In silico splice site analysis predicts that this alteration will result in the creation or strengthening of a novel splice donor site; however, direct evidence is insufficient at this time (Ambry internal data). Loss-of-function variants in SMARCE1 are known to cause increased risk of meningiomas; however, such associations with neurodevelopmental disorders are exceedingly rare (Kosho T et al. Am J Med Genet C Semin Med Genet. 2014 Sep;166C(3):262-75; Smith JM et al. Nat Genet. 2013 Mar;45(3):295-8). Based on the available evidence, the clinical significance of this alteration remains unclear.

Labcorp Genetics (formerly Invitae), Labcorp
Classification: Likely benign for Familial meningioma. Last evaluated: 2024-10-02. Review status: criteria provided, single submitter. Criteria: Invitae Variant Classification Sherloc (09022015). Collection method: clinical testing. Allele origin: germline.